The following is an entry in ClinVar:

ClinVar aggregate classification (germline): Benign. Review status: criteria provided, multiple submitters, no conflicts (2 of 4 stars). 8 submissions from 7 submitters: Benign (6). 2 of the submissions do not count toward it. Last evaluated 2026-02-03.

Conditions:
Autosomal recessive ataxia, Beauce type. Also called: Spinocerebellar ataxia, autosomal recessive 8; ATAXIA, RECESSIVE, OF BEAUCE; SYNE1-Related Autosomal Recessive Cerebellar Ataxia; SYNE1 Deficiency. Identifiers: Orphanet 88644, MedGen C1853116, MONDO:0012549, OMIM 610743.
Emery-Dreifuss muscular dystrophy 4, autosomal dominant (EDMD4). Also called: EMERY-DREIFUSS MUSCULAR DYSTROPHY 4 WITH VARIABLE FEATURES. Identifiers: Orphanet 261, MedGen C2751807, MONDO:0013071, OMIM 612998.

Allele frequency attached by ClinVar (database versions not stated): ESP Exome Variant Server 0.25719; TOPMed 0.26626; gnomAD 0.26855 and 0.27297; gnomAD exomes 0.24220 and 0.28231; ExAC 0.28053; 1000 Genomes Project 30x 0.33276; 1000 Genomes Project 0.33786.
gnomAD v4.1: 395,913 of 1,612,502 alleles (25%); highest among the groups gnomAD compares: East Asian, 53%; 52,582 homozygotes.

Submissions (8):

Labcorp Genetics (formerly Invitae), Labcorp
Classification: Benign for Emery-Dreifuss muscular dystrophy 4, autosomal dominant; Autosomal recessive ataxia, Beauce type. Last evaluated: 2026-02-03. Review status: criteria provided, single submitter. Criteria: Invitae Variant Classification Sherloc (09022015). Collection method: clinical testing. Allele origin: germline.

Blueprint Genetics
Classification: Benign. Last evaluated: 2024-11-27. Review status: criteria provided, single submitter. Criteria: ACMG Guidelines, 2015. Collection method: clinical testing. Allele origin: germline.

Illumina Laboratory Services, Illumina
Classification: Benign for Emery-Dreifuss muscular dystrophy 4, autosomal dominant. Last evaluated: 2018-01-12. Review status: criteria provided, single submitter. Criteria: ICSL Variant Classification Criteria 13 December 2019. Collection method: clinical testing. Allele origin: germline.
Comment: This variant was observed in the ICSL laboratory as part of a predisposition screen in an ostensibly healthy population. It had not been previously curated by ICSL or reported in the Human Gene Mutation Database (HGMD: prior to June 1st, 2018), and was therefore a candidate for classification through an automated scoring system. Utilizing variant allele frequency, disease prevalence and penetrance estimates, and inheritance mode, an automated score was calculated to assess if this variant is too frequent to cause the disease. Based on the score and internal cut-off values, a variant classified as benign is not then subjected to further curation. The score for this variant resulted in a classification of benign for this disease.

Illumina Laboratory Services, Illumina
Classification: Benign for Autosomal recessive ataxia, Beauce type. Last evaluated: 2018-01-12. Review status: criteria provided, single submitter. Criteria: ICSL Variant Classification Criteria 13 December 2019. Collection method: clinical testing. Allele origin: germline.
Comment: the same text as in the submission from Illumina Laboratory Services, Illumina above.

GeneDx
Classification: Benign. Last evaluated: 2016-01-28. Review status: criteria provided, single submitter. Criteria: GeneDx Variant Classification (06012015). Collection method: clinical testing. Allele origin: germline. Affected: yes.
Comment: This variant is considered likely benign or benign based on one or more of the following criteria: it is a conservative change, it occurs at a poorly conserved position in the protein, it is predicted to be benign by multiple in silico algorithms, and/or has population frequency not consistent with disease.

PreventionGenetics, part of Exact Sciences
Classification: Benign. Review status: criteria provided, single submitter. Criteria: ACMG Guidelines, 2015. Collection method: clinical testing. Allele origin: germline.

Clinical Genetics DNA and cytogenetics Diagnostics Lab, Erasmus MC, Erasmus Medical Center
Classification: Benign. Review status: no assertion criteria provided. Collection method: clinical testing. Allele origin: germline. Affected: yes. Study: VKGL Data-share Consensus. Not counted in ClinVar's aggregate classification.

Clinical Genetics, Academic Medical Center
Classification: Benign. Review status: no assertion criteria provided. Collection method: clinical testing. Allele origin: germline. Affected: yes. Study: VKGL Data-share Consensus. Not counted in ClinVar's aggregate classification.

NM_182961.4(SYNE1):c.21656+13T>C

Genes: SYNE1 (spectrin repeat containing nuclear envelope protein 1; minus strand), LOC126859836 (MED14-independent group 3 enhancer GRCh37_chr6:152542272-152543471; plus strand). Cytogenetic location: 6q25.2.
Variant type: single nucleotide variant.
Coding change: c.21656+13T>C on transcript NM_182961.4 (MANE Select); 13 bases into the intron after coding-DNA position 21656, T replaced by C.
Molecular consequence: intron variant.
Genome position (GRCh38, 1-based): chr6:152,221,413, A>G on the plus strand (T>C on the coding strand, the complement: SYNE1 is on the minus strand). VCF-style: chr6-152221413-A-G. GRCh37 (hg19) VCF-style: chr6-152542548-A-G.
Other names: c.21443+13T>C (NM_033071.5).
Identifiers: ClinVar variation 262182 (VCV000262182.18), dbSNP rs9383976, ClinGen allele CA4054098.